The following is an entry in ClinVar:

NM_000312.4(PROC):c.697AAG[2] (p.Lys235del)

Gene: PROC (protein C, inactivator of coagulation factors Va and VIIIa; plus strand). Cytogenetic location: 2q14.3.
Variant type: Microsatellite.
Coding change: c.697AAG[2] on transcript NM_000312.4 (MANE Select); two copies in a row of the 3-base unit AAG starting at c.697; the reference has three copies in a row; one copy, 3 bases deleted.
Protein change: p.Lys235del; deletes lysine 235.
Molecular consequence: inframe deletion.
Genome position (GRCh38, 1-based): chr2:127,427,129-127,427,131, AAG deleted; deleting any 3 consecutive bases within chr2:127,427,123-127,427,131 gives the same sequence; the position shown is the placement nearest the transcript's 3' end. VCF-style (leftmost placement, unchanged base first): chr2-127427122-AAAG-A. GRCh37 (hg19) VCF-style: chr2-128184698-AAAG-A.
Other names: c.880AAG[2], p.Lys296del (NM_001375602.1); c.862AAG[2], p.Lys290del (NM_001375603.1); c.760AAG[2], p.Lys256del (NM_001375604.1); c.799AAG[2], p.Lys269del (NM_001375605.1); c.865AAG[2], p.Lys291del (NM_001375606.1); c.883AAG[2], p.Lys297del (NM_001375607.1); c.640AAG[2], p.Lys216del (NM_001375608.1); c.673AAG[2], p.Lys227del (NM_001375609.1); and 2 more; short protein forms K216del, K227del, K235del, K291del, K233del, K269del, K297del, K290del.
Identifiers: ClinVar variation 846438 (VCV000846438.7), dbSNP rs1688554587, ClinGen allele CA916081313.

ClinVar aggregate classification (germline): Uncertain significance (1 of 4 stars; one submission).

Conditions:
Thrombophilia due to protein C deficiency, autosomal dominant. Also called: PROC DEFICIENCY, AUTOSOMAL DOMINANT; PROTEIN C DEFICIENCY, AUTOSOMAL DOMINANT. Identifiers: Orphanet 745, MedGen C2674321, MONDO:0008316, OMIM 176860. Disease mechanism: loss of function.

Submission:

Labcorp Genetics (formerly Invitae), Labcorp
Classification: Uncertain significance for Thrombophilia due to protein C deficiency, autosomal dominant. Last evaluated: 2021-02-19. Review status: criteria provided, single submitter. Criteria: Invitae Variant Classification Sherloc (09022015). Collection method: clinical testing. Allele origin: germline.
Comment: In summary, the available evidence is currently insufficient to determine the role of this variant in disease. Therefore, it has been classified as a Variant of Uncertain Significance. Experimental studies and prediction algorithms are not available for this variant, and the functional significance of the affected amino acid(s) is currently unknown. This variant has been observed in an individual affected with venous thromboembolism and protein C deficiency (PMID: 25039884). ClinVar contains an entry for this variant (Variation ID: 846438). This variant is not present in population databases (ExAC no frequency). This variant, c.703_705del, results in the deletion of 1 amino acid(s) of the PROC protein (p.Lys235del), but otherwise preserves the integrity of the reading frame.

Literature cited by the submitters: PubMed 25039884.